The following is an entry in ClinVar:

NM_004006.3(DMD):c.5449-1G>T

Gene: DMD (dystrophin; minus strand). Cytogenetic location: Xp21.1.
Variant type: single nucleotide variant.
Coding change: c.5449-1G>T on transcript NM_004006.3 (MANE Select); the canonical splice acceptor site of the intron before coding-DNA position 5449, G replaced by T.
Molecular consequence: splice acceptor variant.
Genome position (GRCh38, 1-based): chrX:32,346,081, C>A on the plus strand (G>T on the coding strand, the complement: DMD is on the minus strand). VCF-style: chrX-32346081-C-A. GRCh37 (hg19) VCF-style: chrX-32364198-C-A.
Other names: c.1426-1G>T (NM_004011.4); c.1417-1G>T (NM_004012.4); c.5437-1G>T (NM_004009.3); c.5080-1G>T (NM_004010.3); c.5425-1G>T (NM_000109.4).
Identifiers: ClinVar variation 4815314 (VCV004815314.1).

ClinVar aggregate classification (germline): Likely pathogenic (1 of 4 stars; one submission).

Conditions:
Becker muscular dystrophy, Cardiomyopathy, Duchenne muscular dystrophy, Dystrophin deficiency.

Submission:

Natera, Inc.
Classification: Likely pathogenic for Becker muscular dystrophy, Cardiomyopathy, Duchenne muscular dystrophy, Dystrophin deficiency. Last evaluated: 2025-08-18. Review status: criteria provided, single submitter. Criteria: Natera Variant Classification Schema (03/2026). Collection method: clinical testing. Allele origin: germline.
Comment: The c.5449-1G>T variant in DMD is a canonical splice acceptor site variant predicted to affect pre-mRNA splicing, which may result in an abnormal transcript and altered protein product. This variant may result in a truncated or dysfunctional protein product. This variant is rare in the general population with a frequency below the threshold expected for the associated phenotype(s). Another variant at this same site results in an alteration predicted to cause a similar molecular effect has been observed in individual(s) with the associated phenotype. Given the available evidence, this variant is classified as Likely Pathogenic.